The following is an entry in ClinVar:

ClinVar aggregate classification (germline): Uncertain significance (1 of 4 stars; one submission).

Conditions:
Intellectual developmental disorder, X-linked 1. Also called: Atkin Flaitz Patil Smith syndrome; MENTAL RETARDATION, X-LINKED 18; MENTAL RETARDATION, X-LINKED 78; Intellectual disability, X-linked 1. Identifiers: Orphanet 777, MedGen C2931498, MONDO:0010656, OMIM 309530.

gnomAD v4.1: 2 of 1,206,389 alleles (0.00017%); highest among the groups gnomAD compares: South Asian, 0.0018%; no homozygotes.

Submission:

Labcorp Genetics (formerly Invitae), Labcorp
Classification: Uncertain significance for Intellectual developmental disorder, X-linked 1. Last evaluated: 2024-04-27. Review status: criteria provided, single submitter. Criteria: Invitae Variant Classification Sherloc (09022015). Collection method: clinical testing. Allele origin: germline.
Comment: This sequence change falls in intron 13 of the IQSEC2 gene. It does not directly change the encoded amino acid sequence of the IQSEC2 protein. It affects a nucleotide within the consensus splice site. This variant is not present in population databases (gnomAD no frequency). This variant has not been reported in the literature in individuals affected with IQSEC2-related conditions. Variants that disrupt the consensus splice site are a relatively common cause of aberrant splicing (PMID: 17576681, 9536098). Algorithms developed to predict the effect of sequence changes on RNA splicing suggest that this variant is not likely to affect RNA splicing. In summary, the available evidence is currently insufficient to determine the role of this variant in disease. Therefore, it has been classified as a Variant of Uncertain Significance.

Literature cited by the submitters: PubMed 17576681; PubMed 9536098.

NM_001111125.3(IQSEC2):c.3451+6C>T

Gene: IQSEC2 (IQ motif and Sec7 domain ArfGEF 2; minus strand). Cytogenetic location: Xp11.22.
Variant type: single nucleotide variant.
Coding change: c.3451+6C>T on transcript NM_001111125.3 (MANE Select); 6 bases into the intron after coding-DNA position 3451, C replaced by T.
Molecular consequence: intron variant.
Genome position (GRCh38, 1-based): chrX:53,236,316, G>A on the plus strand (C>T on the coding strand, the complement: IQSEC2 is on the minus strand). VCF-style: chrX-53236316-G-A. GRCh37 (hg19) VCF-style: chrX-53265498-G-A.
Other names: c.3451+6C>T (NM_001410736.1); c.2836+6C>T (NM_015075.2).
Identifiers: ClinVar variation 3631808 (VCV003631808.2).
Genomic context (GRCh38, chrX:53,236,316, plus strand): 5'-ACAGGAGGCAAAGAGGACACCCGGTCCCGTGTCTCCCCAGCCAGGGCAGGGGCCCAGAGG[G>A]CTTACCTGCATCAGAGAGGTCTCGCAGGGAACTGCTGAGTGCGCCCCGTTTGAGCCCATC-3'